The following is an entry in ClinVar:

NM_182961.4(SYNE1):c.3851G>A (p.Arg1284Gln)

Gene: SYNE1 (spectrin repeat containing nuclear envelope protein 1; minus strand). Cytogenetic location: 6q25.2.
Variant type: single nucleotide variant.
Coding change: c.3851G>A on transcript NM_182961.4 (MANE Select); coding-DNA position 3851, G replaced by A.
Protein change: p.Arg1284Gln; replaces arginine 1284 with glutamine.
Molecular consequence: missense variant.
Genome position (GRCh38, 1-based): chr6:152,442,232, C>T on the plus strand (G>A on the coding strand, the complement: SYNE1 is on the minus strand). VCF-style: chr6-152442232-C-T. GRCh37 (hg19) VCF-style: chr6-152763367-C-T.
Other names: c.3872G>A, p.Arg1291Gln (NM_033071.5); short protein forms R1284Q, R1291Q.
Identifiers: ClinVar variation 4849063 (VCV004849063.1).
Genomic context (GRCh38, chr6:152,442,232, plus strand): 5'-CCTTCTCCCTGCTGCGCCTGCGCGATCTGCTGCTGCACATCTCTCTTCTTTGCTGAGATC[C>T]GCTTTGTCTTTTGCTAGAAGCATTTATTCAACAGATGGATATAAATTGTGCTCTCTAAAC-3'
Protein context (NP_892006.3, residues 1274-1294): LLLHHQQKTK[Arg1284Gln]ISAKKRDVQQ

ClinVar aggregate classification (germline): Uncertain significance (1 of 4 stars; one submission).

gnomAD v4.1: 5 of 1,612,992 alleles (0.00031%); highest among the groups gnomAD compares: African/African-American, 0.0013%; no homozygotes.

Submission:

Women's Health and Genetics/Laboratory Corporation of America, LabCorp
Classification: Uncertain significance. Last evaluated: 2026-04-27. Review status: criteria provided, single submitter. Criteria: LabCorp Variant Classification Summary - May 2015. Collection method: clinical testing. Allele origin: germline.
Comment: Variant summary: SYNE1 c.3872G>A (p.Arg1291Gln) results in a conservative amino acid change in the encoded protein sequence. Algorithms developed to predict the effect of missense changes on protein structure and function all suggest that this variant is likely to be tolerated. The variant allele was found at a frequency of 8.1e-06 in 247416 control chromosomes. The available data on variant occurrences in the general population are insufficient to allow any conclusion about variant significance. To our knowledge, no occurrence of c.3872G>A in individuals affected with SYNE1-related conditions and no experimental evidence demonstrating its impact on protein function have been reported. No submitters have cited clinical-significance assessments for this variant to ClinVar. Based on the evidence outlined above, the variant was classified as uncertain significance.